The following is an entry in ClinVar:

NM_000051.4(ATM):c.5390C>T (p.Pro1797Leu)

Gene: ATM (ATM serine/threonine kinase; plus strand). Cytogenetic location: 11q22.3.
Variant type: single nucleotide variant.
Coding change: c.5390C>T on transcript NM_000051.4 (MANE Select); coding-DNA position 5390, C replaced by T.
Protein change: p.Pro1797Leu; replaces proline 1797 with leucine.
Molecular consequence: missense variant.
Genome position (GRCh38, 1-based): chr11:108,302,923, C>T. VCF-style: chr11-108302923-C-T. GRCh37 (hg19) VCF-style: chr11-108173650-C-T.
Other names: c.5390C>T, p.Pro1797Leu (NM_001351834.2); c.5390C>T (NM_000051.3); short protein forms P1797L.
Identifiers: ClinVar variation 1438719 (VCV001438719.7), dbSNP rs2135928610, ClinGen allele CA382543623.
Genomic context (GRCh38, chr11:108,302,923, plus strand): 5'-TACCCAGATTTGACAAAGAAAACCCTTTTGAAGGCCTGGATGATATAAATCTGTGGATTC[C>T]TCTAAGTGAAAATCATGACATTTGGATAAAGACACTGACTTGTGCTTTTTTGGACAGTGG-3'
Protein context (NP_000042.3, residues 1787-1807): EGLDDINLWI[Pro1797Leu]LSENHDIWIK

ClinVar aggregate classification (germline): Uncertain significance. Review status: criteria provided, multiple submitters, no conflicts (2 of 4 stars). 3 submissions from 3 submitters: Uncertain significance (3). Last evaluated 2025-07-30.

Conditions:
Hereditary cancer-predisposing syndrome. Also called: Neoplastic Syndromes, Hereditary; Hereditary Cancer Syndrome; Tumor predisposition; Hereditary neoplastic syndrome. Identifiers: Orphanet 140162, MedGen C0027672, MeSH D009386, MONDO:0015356.
Ataxia-telangiectasia syndrome (AT). Also called: ATAXIA-TELANGIECTASIA, FRESNO VARIANT; ATAXIA-TELANGIECTASIA, COMPLEMENTATION GROUP A; Ataxia-telangiectasia, complementation group D; AT, COMPLEMENTATION GROUP C; Ataxia telangiectasia (A-T); LOUIS-BAR SYNDROME. Identifiers: Orphanet 100, MedGen C0004135, MONDO:0008840, OMIM 208900.

Submissions (3):

Ambry Genetics
Classification: Uncertain significance for Hereditary cancer-predisposing syndrome. Last evaluated: 2025-07-30. Review status: criteria provided, single submitter. Criteria: Ambry Variant Classification Scheme 2023. Collection method: clinical testing. Allele origin: germline.
Comment: The p.P1797L variant (also known as c.5390C>T), located in coding exon 35 of the ATM gene, results from a C to T substitution at nucleotide position 5390. The proline at codon 1797 is replaced by leucine, an amino acid with similar properties. This amino acid position is well conserved in available vertebrate species. In addition, the in silico prediction for this alteration is inconclusive. Based on the available evidence, the clinical significance of this variant remains unclear.

Quest Diagnostics Nichols Institute San Juan Capistrano
Classification: Uncertain significance. Last evaluated: 2024-02-08. Review status: criteria provided, single submitter. Criteria: Quest Diagnostics criteria. Collection method: clinical testing. Allele origin: unknown.

Labcorp Genetics (formerly Invitae), Labcorp
Classification: Uncertain significance for Ataxia-telangiectasia syndrome. Last evaluated: 2021-08-26. Review status: criteria provided, single submitter. Criteria: Invitae Variant Classification Sherloc (09022015). Collection method: clinical testing. Allele origin: germline.
Comment: This sequence change replaces proline with leucine at codon 1797 of the ATM protein (p.Pro1797Leu). The proline residue is highly conserved and there is a moderate physicochemical difference between proline and leucine. This variant is not present in population databases (ExAC no frequency). This variant has not been reported in the literature in individuals affected with ATM-related conditions. Advanced modeling of protein sequence and biophysical properties (such as structural, functional, and spatial information, amino acid conservation, physicochemical variation, residue mobility, and thermodynamic stability) performed at Invitae indicates that this missense variant is not expected to disrupt ATM protein function. In summary, the available evidence is currently insufficient to determine the role of this variant in disease. Therefore, it has been classified as a Variant of Uncertain Significance.